The following is an entry in ClinVar:

ClinVar aggregate classification (germline): Uncertain significance (1 of 4 stars; one submission).

gnomAD v4.1: 5 of 1,599,690 alleles (0.00031%); highest among the groups gnomAD compares: Non-Finnish European, 0.00042%; no homozygotes.

Submission:

Women's Health and Genetics/Laboratory Corporation of America, LabCorp
Classification: Uncertain significance. Last evaluated: 2026-07-08. Review status: criteria provided, single submitter. Criteria: LabCorp Variant Classification Summary - May 2015. Collection method: clinical testing. Allele origin: germline.
Comment: Variant summary: PKD1 c.3133G>A (p.Val1045Met) results in a conservative amino acid change in the encoded protein sequence. Algorithms developed to predict the effect of missense changes on protein structure and function are either unavailable or do not agree on the potential impact of this missense change. The variant allele was found at a frequency of 8.3e-06 in 240100 control chromosomes (gnomAD). The available data on variant occurrences in the general population are insufficient to allow any conclusion about variant significance. c.3133G>A has been reported in the literature in two siblings affected with in-utero onset of polycystic kidney disease who were homozygous with the variant as well as another variant c.4709C>T (p.Thr1570Met), while the parents carrying both variants in cis were unaffected (Vujic_2010). This report does not provide unequivocal conclusions about association of the variant with disease. To our knowledge, no experimental evidence demonstrating an impact on protein function has been reported. The following publication has been ascertained in the context of this evaluation (PMID: 20558538). No submitters have cited clinical-significance assessments for this variant to ClinVar. Based on the evidence outlined above, the variant was classified as uncertain significance.

Literature cited by the submitters: PubMed 20558538.

NM_001009944.3(PKD1):c.3133G>A (p.Val1045Met)

Gene: PKD1 (polycystin 1, transient receptor potential channel interacting; minus strand). Cytogenetic location: 16p13.3.
Variant type: single nucleotide variant.
Coding change: c.3133G>A on transcript NM_001009944.3 (MANE Select); coding-DNA position 3133, G replaced by A.
Protein change: p.Val1045Met; replaces valine 1045 with methionine.
Molecular consequence: missense variant.
Genome position (GRCh38, 1-based): chr16:2,112,816, C>T on the plus strand (G>A on the coding strand, the complement: PKD1 is on the minus strand). VCF-style: chr16-2112816-C-T. GRCh37 (hg19) VCF-style: chr16-2162817-C-T.
Other names: c.3133G>A, p.Val1045Met (NM_000296.4); short protein forms V1045M.
Identifiers: ClinVar variation 4887097 (VCV004887097.1).
Genomic context (GRCh38, chr16:2,112,816, plus strand): 5'-GCCCACCCCAAACCGGCCCCCGAGTCACTCACAGGAAGGCCACCTCCACGGCCGAGTCCA[C>T]CAGCACGCCCGCCGTCAGTGCTAGCGTGGCATTGGGGGACAGCACGGCCGGCACTGTGGA-3'
Protein context (NP_001009944.3, residues 1035-1055): ATLALTAGVL[Val1045Met]DSAVEVAFLW